The following is an entry in ClinVar:

NM_001382347.1(MYO5A):c.947-9_947-8del

Gene: MYO5A (myosin VA; minus strand). Cytogenetic location: 15q21.2.
Variant type: Deletion.
Coding change: c.947-9_947-8del on transcript NM_001382347.1 (MANE Select); 9 bases into the intron before coding-DNA position 947 through 8 bases into the intron before coding-DNA position 947, 2 bases deleted (TT; older notation c.947-9_947-8delTT).
Molecular consequence: intron variant.
Genome position (GRCh38, 1-based): chr15:52,405,401-52,405,402, AA deleted on the plus strand (TT on the coding strand, the reverse complement: MYO5A is on the minus strand). VCF-style (leftmost placement, unchanged base first): chr15-52405400-CAA-C. GRCh37 (hg19) VCF-style: chr15-52697597-CAA-C.
Other names: NC_000015.9:g.52697598_52697599del; c.947-9_947-8del (NM_000259.3, NM_001142495.2); c.1019-9_1019-8del (NM_001382349.1, NM_001382348.1); c.947-9_947-8delTT (NM_000259.3).
Identifiers: ClinVar variation 713141 (VCV000713141.6), dbSNP rs764237573, ClinGen allele CA7569090.
Genomic context (GRCh38, chr15:52,405,400, plus strand): 5'-GAAGGATGCCAGCAAGTATTCGGAAAATTCCCATTTGATGAGATTCACTAATTCCTGAAA[CAA>C]GAGAGTGAATGAACAAGTGATTAATTTCAGAATAGAAACTAAACAATTACAGCAGACAAT-3'

ClinVar aggregate classification (germline): Likely benign. Review status: criteria provided, single submitter (1 of 4 stars). 2 submissions from 2 submitters: Likely benign (1). 1 of the submissions does not count toward it. Last evaluated 2017-08-26.

Conditions:
MYO5A-related disorder. Also called: MYO5A-related condition.

Allele frequency attached by ClinVar (database versions not stated): gnomAD 0.00001 and 0.00003; gnomAD exomes 0.00001 and 0.00005; TOPMed 0.00001; ExAC 0.00008.

Submissions (3):

Labcorp Genetics (formerly Invitae), Labcorp
Classification: Likely benign. Last evaluated: 2017-08-26. Review status: criteria provided, single submitter. Criteria: Invitae Variant Classification Sherloc (09022015). Collection method: clinical testing. Allele origin: germline.

PreventionGenetics, part of Exact Sciences
Classification: Likely benign for MYO5A-related condition. Last evaluated: 2019-03-27. Review status: no assertion criteria provided. Collection method: clinical testing. Allele origin: germline. Not counted in ClinVar's aggregate classification.
Comment: This variant is classified as likely benign based on ACMG/AMP sequence variant interpretation guidelines (Richards et al. 2015 PMID: 25741868, with internal and published modifications).

Dr. Peter K. Rogan Lab, Western University
No classification provided (evidence only). Condition: Malignant tumor of esophagus. Review status: no classification provided. Collection method: in vitro. Allele origin: not applicable. Functional consequence: retained intron. Not counted in ClinVar's aggregate classification.